The following is an entry in ClinVar:

ClinVar aggregate classification (germline): Pathogenic. Review status: criteria provided, multiple submitters, no conflicts (2 of 4 stars). 5 submissions from 5 submitters: Pathogenic (5). Last evaluated 2025-08-20.

Conditions:
LAMA2-related disorder. Also called: LAMA2-related disorders; LAMA2-related condition.
Muscular dystrophy, limb-girdle, autosomal recessive 23. Identifiers: Orphanet 565837, MedGen C4748327, MONDO:0029136, OMIM 618138.
Merosin deficient congenital muscular dystrophy (MDC1A). Also called: Congenital merosin-deficient muscular dystrophy 1A; Congenital Muscular Dystrophy Type 1A (MDC1A). Identifiers: Orphanet 258, MedGen C1263858, MONDO:0011925, OMIM 607855.
LAMA2-related muscular dystrophy (LAMA2-RD). Also called: Laminin alpha 2-related dystrophy. Identifiers: MedGen C5679788, MONDO:0100228.

Allele frequency attached by ClinVar (database versions not stated): gnomAD 0.00002; ESP Exome Variant Server 0.00008; TOPMed 0.00002.
gnomAD v4.1: 12 of 1,613,814 alleles (0.00074%); highest among the groups gnomAD compares: African/African-American, 0.0053%; no homozygotes.

Submissions (5):

3billion
Classification: Pathogenic for LAMA2-related disorder. Last evaluated: 2025-08-20. Review status: criteria provided, single submitter. Criteria: ACMG Guidelines, 2015. Collection method: clinical testing. Allele origin: germline. Affected: yes.
Comment: The variant is observed at an extremely low frequency in the gnomAD v4.1.0 dataset (total allele frequency: <0.001%). Predicted Consequence/Location: Stop-gained (nonsense): predicted to result in a loss or disruption of normal protein function through nonsense-mediated decay (NMD) or protein truncation. Multiple pathogenic variants are reported downstream of the variant. The variant has been reported at least twice as pathogenic with clinical assertions and evidence for the classification (ClinVar ID: VCV000662072 /PMID: 30055037). Therefore, this variant is classified as Pathogenic according to the recommendation of ACMG/AMP guideline.

Fulgent Genetics
Classification: Pathogenic for Merosin deficient congenital muscular dystrophy; Muscular dystrophy, limb-girdle, autosomal recessive 23. Last evaluated: 2024-05-14. Review status: criteria provided, single submitter. Criteria: ACMG Guidelines, 2015. Collection method: clinical testing. Allele origin: germline.

Labcorp Genetics (formerly Invitae), Labcorp
Classification: Pathogenic for LAMA2-related muscular dystrophy. Last evaluated: 2023-03-18. Review status: criteria provided, single submitter. Criteria: Invitae Variant Classification Sherloc (09022015). Collection method: clinical testing. Allele origin: germline.
Comment: For these reasons, this variant has been classified as Pathogenic. ClinVar contains an entry for this variant (Variation ID: 662072). This premature translational stop signal has been observed in individual(s) with LAMA2-related conditions (PMID: 21520333). This variant is not present in population databases (gnomAD no frequency). This sequence change creates a premature translational stop signal (p.Tyr2069*) in the LAMA2 gene. It is expected to result in an absent or disrupted protein product. Loss-of-function variants in LAMA2 are known to be pathogenic (PMID: 18700894, 32904964).

Institute for Clinical Genetics, University Hospital TU Dresden, University Hospital TU Dresden
Classification: Pathogenic. Last evaluated: 2021-11-03. Review status: criteria provided, single submitter. Criteria: ACMG Guidelines, 2015. Collection method: clinical testing. Allele origin: germline.

Revvity Omics, Revvity
Classification: Pathogenic. Last evaluated: 2020-02-06. Review status: criteria provided, single submitter. Criteria: ACMG Guidelines, 2015. Collection method: clinical testing. Allele origin: germline.

Literature cited by the submitters: PubMed 30055037 (cited by 3billion); PubMed 21520333 (cited by Labcorp Genetics (formerly Invitae), Labcorp); PubMed 18700894 (cited by Labcorp Genetics (formerly Invitae), Labcorp); PubMed 32904964 (cited by Labcorp Genetics (formerly Invitae), Labcorp).

NM_000426.4(LAMA2):c.6207C>A (p.Tyr2069Ter)

Genes: LAMA2 (laminin subunit alpha 2; plus strand), LOC123864065 (Sharpr-MPRA regulatory region 661; plus strand). Cytogenetic location: 6q22.33.
Variant type: single nucleotide variant.
Coding change: c.6207C>A on transcript NM_000426.4 (MANE Select); coding-DNA position 6207, C replaced by A.
Protein change: p.Tyr2069Ter; replaces tyrosine 2069 with a stop codon.
Molecular consequence: nonsense.
Genome position (GRCh38, 1-based): chr6:129,440,937, C>A. VCF-style: chr6-129440937-C-A. GRCh37 (hg19) VCF-style: chr6-129762082-C-A.
Other names: c.6207C>A, p.Tyr2069Ter (NM_001079823.2); short protein forms Y2069*.
Identifiers: ClinVar variation 662072 (VCV000662072.17), dbSNP rs143343647, ClinGen allele CA146917143.